The following is an entry in ClinVar:

NM_002485.5(NBN):c.2069del (p.Lys690fs)

Gene: NBN (nibrin; minus strand). Cytogenetic location: 8q21.3.
Variant type: Deletion.
Coding change: c.2069del on transcript NM_002485.5 (MANE Select); coding-DNA position 2069, one base deleted (A; older notation c.2069delA).
Protein change: p.Lys690fs; shifts the reading frame from lysine 690.
Molecular consequence: frameshift variant.
Genome position (GRCh38, 1-based): chr8:89,946,141, T deleted on the plus strand (A on the coding strand, the reverse complement: NBN is on the minus strand); the first of 5 consecutive T bases (chr8:89,946,141-89,946,145); deleting any one gives the same sequence. VCF-style (leftmost placement, unchanged base first): chr8-89946140-CT-C. GRCh37 (hg19) VCF-style: chr8-90958368-CT-C.
Other names: c.1823del, p.Lys608fs (NM_001024688.3); short protein forms K690fs, K608fs.
Identifiers: ClinVar variation 2021879 (VCV002021879.4), dbSNP rs2488201331, ClinGen allele CA2580079033.

ClinVar aggregate classification (germline): Pathogenic (1 of 4 stars; one submission).

Conditions:
Microcephaly, normal intelligence and immunodeficiency (NBS). Also called: Immunodeficiency, microcephaly with normal intelligence; Ataxia telangiectasia variant V1; IMMUNODEFICIENCY, MICROCEPHALY, AND CHROMOSOMAL INSTABILITY; BERLIN BREAKAGE SYNDROME; SEEMANOVA SYNDROME II; Nijmegen breakage syndrome. Identifiers: Orphanet 647, MedGen C0398791, MONDO:0009623, OMIM 251260.

Submission:

Labcorp Genetics (formerly Invitae), Labcorp
Classification: Pathogenic for Microcephaly, normal intelligence and immunodeficiency. Last evaluated: 2022-08-05. Review status: criteria provided, single submitter. Criteria: Invitae Variant Classification Sherloc (09022015). Collection method: clinical testing. Allele origin: germline.
Comment: This variant has not been reported in the literature in individuals affected with NBN-related conditions. This variant is not present in population databases (gnomAD no frequency). This sequence change creates a premature translational stop signal (p.Lys690Argfs*19) in the NBN gene. It is expected to result in an absent or disrupted protein product. Loss-of-function variants in NBN are known to be pathogenic (PMID: 9590180, 16415040). For these reasons, this variant has been classified as Pathogenic.

Literature cited by the submitters: PubMed 9590180; PubMed 16415040.